The following is an entry in ClinVar:

NM_000199.5(SGSH):c.1024C>G (p.His342Asp)

Gene: SGSH (N-sulfoglucosamine sulfohydrolase; minus strand). Cytogenetic location: 17q25.3.
Variant type: single nucleotide variant.
Coding change: c.1024C>G on transcript NM_000199.5 (MANE Select); coding-DNA position 1024, C replaced by G.
Protein change: p.His342Asp; replaces histidine 342 with aspartic acid.
Molecular consequence: missense variant. On other transcripts: 3 prime UTR variant (2), non-coding transcript variant (1).
Genome position (GRCh38, 1-based): chr17:80,210,937, G>C on the plus strand (C>G on the coding strand, the complement: SGSH is on the minus strand). VCF-style: chr17-80210937-G-C. GRCh37 (hg19) VCF-style: chr17-78184736-G-C.
Other names: c.*111C>G (NM_001352921.3); c.*74C>G (NM_001352922.2); short protein forms H342D.
Identifiers: ClinVar variation 2064859 (VCV002064859.4), dbSNP rs1390544419, ClinGen allele CA401359295.

ClinVar aggregate classification (germline): Uncertain significance (1 of 4 stars; one submission).

Conditions:
Mucopolysaccharidosis, MPS-III-A (MPS3A). Also called: HEPARAN SULFATE SULFATASE DEFICIENCY; SANFILIPPO SYNDROME A; SULFAMIDASE DEFICIENCY; MPS III A; Mucopolysaccharidosis, type IIIA; MUCOPOLYSACCHARIDOSIS, TYPE IIIA, ATTENUATED. Identifiers: Orphanet 581, Orphanet 79269, MedGen C0086647, MONDO:0009655, OMIM 252900.

Allele frequency attached by ClinVar (database versions not stated): TOPMed below 0.00001; gnomAD 0.00001.

Submission:

Labcorp Genetics (formerly Invitae), Labcorp
Classification: Uncertain significance for Mucopolysaccharidosis, MPS-III-A. Last evaluated: 2022-07-09. Review status: criteria provided, single submitter. Criteria: Invitae Variant Classification Sherloc (09022015). Collection method: clinical testing. Allele origin: germline.
Comment: In summary, the available evidence is currently insufficient to determine the role of this variant in disease. Therefore, it has been classified as a Variant of Uncertain Significance. Algorithms developed to predict the effect of missense changes on protein structure and function are either unavailable or do not agree on the potential impact of this missense change (SIFT: "Deleterious"; PolyPhen-2: "Benign"; Align-GVGD: "Class C0"). This variant has not been reported in the literature in individuals affected with SGSH-related conditions. This variant is not present in population databases (gnomAD no frequency). This sequence change replaces histidine, which is basic and polar, with aspartic acid, which is acidic and polar, at codon 342 of the SGSH protein (p.His342Asp).